The following is an entry in ClinVar:

NM_198053.3(CD247):c.58+59G>C

Genes: CD247 (CD247 molecule; minus strand), LOC126805905 (P300/CBP strongly-dependent group 1 enhancer GRCh37_chr1:167486398-167487597; plus strand). Cytogenetic location: 1q24.2.
Variant type: single nucleotide variant.
Coding change: c.58+59G>C on transcript NM_198053.3 (MANE Select); 59 bases into the intron after coding-DNA position 58, G replaced by C.
Molecular consequence: intron variant.
Genome position (GRCh38, 1-based): chr1:167,518,349, C>G on the plus strand (G>C on the coding strand, the complement: CD247 is on the minus strand). VCF-style: chr1-167518349-C-G. GRCh37 (hg19) VCF-style: chr1-167487586-C-G.
Other names: c.58+59G>C (NM_000734.4, NM_001378516.1, NM_001378515.1).
Identifiers: ClinVar variation 1237879 (VCV001237879.6), dbSNP rs35864197, ClinGen allele CA10817795.

ClinVar aggregate classification (germline): Benign. Review status: criteria provided, multiple submitters, no conflicts (2 of 4 stars). 3 submissions from 3 submitters: Benign (3). Last evaluated 2023-11-12.

Allele frequency attached by ClinVar (database versions not stated): TOPMed 0.13596; ESP Exome Variant Server 0.15615; 1000 Genomes Project 0.11082; 1000 Genomes Project 30x 0.11227.
gnomAD v4.1: 268,833 of 1,512,338 alleles (18%); highest among the groups gnomAD compares: South Asian, 25%; 25,912 homozygotes.

Submissions (3):

Unidad de Genómica Garrahan, Hospital de Pediatría Garrahan
Classification: Benign. Last evaluated: 2023-11-12. Review status: criteria provided, single submitter. Criteria: ACMG Guidelines, 2015. Collection method: clinical testing. Allele origin: germline. Affected: no. Observed: 26 variant alleles.
Comment: This variant is classified as Benign based on local population frequency. This variant was detected in 27% of patients studied by a panel of primary immunodeficiencies. Number of patients: 26. Only high quality variants are reported.

GeneDx
Classification: Benign. Last evaluated: 2018-06-23. Review status: criteria provided, single submitter. Criteria: GeneDx Variant Classification Process June 2021. Collection method: clinical testing. Allele origin: germline. Affected: yes.

Breakthrough Genomics
Classification: Benign. Review status: criteria provided, single submitter. Criteria: ACMG Guidelines, 2015. Collection method: not provided. Allele origin: germline. Inheritance: Autosomal recessive inheritance. Affected: yes.